The following is an entry in ClinVar:

ClinVar aggregate classification (germline): Uncertain significance. Review status: criteria provided, multiple submitters, no conflicts (2 of 4 stars). 3 submissions from 3 submitters: Uncertain significance (3). Last evaluated 2024-06-21.

Conditions:
Fanconi anemia (FA). Also called: Fanconi's anemia. Identifiers: Orphanet 84, MedGen C0015625, MeSH D005199, MONDO:0019391.
Fanconi anemia complementation group A (FANCA). Also called: Fanconi anemia, group A; FANCA-Related Fanconi Anemia. Identifiers: Orphanet 84, MedGen C3469521, MONDO:0009215, OMIM 227650.

Allele frequency attached by ClinVar (database versions not stated): gnomAD exomes below 0.00001 and 0.00002.
gnomAD v4.1: 24 of 1,613,962 alleles (0.0015%); highest among the groups gnomAD compares: Middle Eastern, 0.016%; no homozygotes.

Submissions (3):

Fulgent Genetics
Classification: Uncertain significance for Fanconi anemia complementation group A. Last evaluated: 2024-06-21. Review status: criteria provided, single submitter. Criteria: ACMG Guidelines, 2015. Collection method: clinical testing. Allele origin: germline.

Labcorp Genetics (formerly Invitae), Labcorp
Classification: Uncertain significance for Fanconi anemia. Last evaluated: 2022-03-29. Review status: criteria provided, single submitter. Criteria: Invitae Variant Classification Sherloc (09022015). Collection method: clinical testing. Allele origin: germline.
Comment: This sequence change replaces valine, which is neutral and non-polar, with methionine, which is neutral and non-polar, at codon 789 of the FANCA protein (p.Val789Met). This variant is present in population databases (rs771698195, gnomAD 0.0009%). This variant has not been reported in the literature in individuals affected with FANCA-related conditions. Algorithms developed to predict the effect of missense changes on protein structure and function are either unavailable or do not agree on the potential impact of this missense change (SIFT: "Deleterious"; PolyPhen-2: "Possibly Damaging"; Align-GVGD: "Class C0"). In summary, the available evidence is currently insufficient to determine the role of this variant in disease. Therefore, it has been classified as a Variant of Uncertain Significance.

Sema4
Classification: Uncertain significance for Fanconi anemia. Last evaluated: 2022-01-26. Review status: criteria provided, single submitter. Criteria: Sema4 Curation Guidelines. Collection method: curation. Allele origin: germline.
Comment: The FANCA c.2365G>A (p.V789M) variant has not been reported in the literature to our knowledge. It was observed in 1/113120 chromosomes of the European (non-Finnish) subpopulation, in the large and broad cohorts of the Genome Aggregation Database (PMID: 32461654). This variant has not been reported in ClinVar. Functional studies have not been performed, and in silico predictions of the variant's effect on protein function are inconclusive. The evidence is insufficient to meet ACMG/AMP criteria for classifying the variant as benign or pathogenic. Thus, the clinical significance of this variant is currently uncertain.

NM_000135.4(FANCA):c.2365G>A (p.Val789Met)

Gene: FANCA (FA complementation group A; minus strand). Cytogenetic location: 16q24.3.
Variant type: single nucleotide variant.
Coding change: c.2365G>A on transcript NM_000135.4 (MANE Select); coding-DNA position 2365, G replaced by A.
Protein change: p.Val789Met; replaces valine 789 with methionine.
Molecular consequence: missense variant.
Genome position (GRCh38, 1-based): chr16:89,769,976, C>T on the plus strand (G>A on the coding strand, the complement: FANCA is on the minus strand). VCF-style: chr16-89769976-C-T. GRCh37 (hg19) VCF-style: chr16-89836384-C-T.
Other names: c.2365G>A, p.Val789Met (NM_001286167.3); short protein forms V789M.
Identifiers: ClinVar variation 1489534 (VCV001489534.7), dbSNP rs771698195, ClinGen allele CA286564492.
Genomic context (GRCh38, chr16:89,769,976, plus strand): 5'-CAGGTGCAGGAGGACCCACATCCACCTCTGGGAGCGCAGACCTGGACTCACCCAGGTGCA[C>T]GGCCAGGGCAGCCAACCCCAGCACATGTGGGGCACTCAGGCTCGGGCCCTGCAACGAGAA-3'
Protein context (NP_000126.2, residues 779-799): PHVLGLAALA[Val789Met]HLGESRSALP